The following is an entry in ClinVar:

NM_001048174.2(MUTYH):c.956A>C (p.Glu319Ala)

Gene: MUTYH (mutY DNA glycosylase; minus strand). Cytogenetic location: 1p34.1.
Variant type: single nucleotide variant.
Coding change: c.956A>C on transcript NM_001048174.2 (MANE Select); coding-DNA position 956, A replaced by C.
Protein change: p.Glu319Ala; replaces glutamic acid 319 with alanine.
Molecular consequence: missense variant. On other transcripts: non-coding transcript variant (7).
Genome position (GRCh38, 1-based): chr1:45,331,807, T>G on the plus strand (A>C on the coding strand, the complement: MUTYH is on the minus strand). VCF-style: chr1-45331807-T-G. GRCh37 (hg19) VCF-style: chr1-45797479-T-G.
Other names: c.998A>C, p.Glu333Ala (NM_001407083.1, NM_001407085.1); c.959A>C, p.Glu320Ala (NM_001407086.1, NM_001407078.1, NM_001407071.1 and 1 more transcripts); c.977A>C, p.Glu326Ala (NM_001407087.1); c.956A>C, p.Glu319Ala (NM_001407088.1, NM_001407089.1, NM_001407081.1 and 6 more transcripts); c.680A>C, p.Glu227Ala (NM_001407091.1, NM_001293192.2, NM_001293196.2); c.1031A>C, p.Glu344Ala (NM_012222.3); c.917A>C, p.Glu306Ala (NM_001407079.1); c.914A>C, p.Glu305Ala (NM_001407080.1); and 5 more; short protein forms E227A, E305A, E319A, E326A, E333A, E344A, E204A, E320A.
Identifiers: ClinVar variation 4112948 (VCV004112948.1).

ClinVar aggregate classification (germline): Uncertain significance (1 of 4 stars; one submission).

Conditions:
Hereditary cancer-predisposing syndrome. Also called: Tumor predisposition; Neoplastic Syndromes, Hereditary; Hereditary neoplastic syndrome; Hereditary Cancer Syndrome. Identifiers: Orphanet 140162, MedGen C0027672, MeSH D009386, MONDO:0015356.

Submission:

Ambry Genetics
Classification: Uncertain significance for Hereditary cancer-predisposing syndrome. Last evaluated: 2025-08-27. Review status: criteria provided, single submitter. Criteria: Ambry Variant Classification Scheme 2023. Collection method: clinical testing. Allele origin: germline.
Comment: The p.E347A variant (also known as c.1040A>C), located in coding exon 12 of the MUTYH gene, results from an A to C substitution at nucleotide position 1040. The glutamic acid at codon 347 is replaced by alanine, an amino acid with dissimilar properties. This amino acid position is conserved. In addition, this alteration is predicted to be tolerated by in silico analysis. Based on the available evidence, the clinical significance of this variant remains unclear.